The following is an entry in ClinVar:

NM_007186.6(CEP250):c.7099C>T (p.Arg2367Trp)

Gene: CEP250 (centrosomal protein 250; plus strand). Cytogenetic location: 20q11.22.
Variant type: single nucleotide variant.
Coding change: c.7099C>T on transcript NM_007186.6 (MANE Select); coding-DNA position 7099, C replaced by T.
Protein change: p.Arg2367Trp; replaces arginine 2367 with tryptophan.
Molecular consequence: missense variant.
Genome position (GRCh38, 1-based): chr20:35,511,396, C>T. VCF-style: chr20-35511396-C-T. GRCh37 (hg19) VCF-style: chr20-34099225-C-T.
Other names: c.5203C>T, p.Arg1735Trp (NM_001318219.1); c.7099C>T (NM_007186.3); short protein forms R2367W, R1735W.
Identifiers: ClinVar variation 1934553 (VCV001934553.3), dbSNP rs762725308, ClinGen allele CA9834250.

ClinVar aggregate classification (germline): Uncertain significance. Review status: criteria provided, multiple submitters, no conflicts (2 of 4 stars). 2 submissions from 2 submitters: Uncertain significance (2). Last evaluated 2025-06-10.

Allele frequency attached by ClinVar (database versions not stated): TOPMed 0.00002; ExAC 0.00003.
gnomAD v4.1: 33 of 1,610,188 alleles (0.002%); highest among the groups gnomAD compares: East Asian, 0.0089%; no homozygotes.

Submissions (2):

Ambry Genetics
Classification: Uncertain significance. Last evaluated: 2025-06-10. Review status: criteria provided, single submitter. Criteria: Ambry Variant Classification Scheme 2023. Collection method: clinical testing. Allele origin: germline.

Labcorp Genetics (formerly Invitae), Labcorp
Classification: Uncertain significance. Last evaluated: 2021-12-25. Review status: criteria provided, single submitter. Criteria: Invitae Variant Classification Sherloc (09022015). Collection method: clinical testing. Allele origin: germline.
Comment: This sequence change replaces arginine, which is basic and polar, with tryptophan, which is neutral and slightly polar, at codon 2367 of the CEP250 protein (p.Arg2367Trp). This variant is present in population databases (rs762725308, gnomAD 0.005%). This variant has not been reported in the literature in individuals affected with CEP250-related conditions. Algorithms developed to predict the effect of missense changes on protein structure and function output the following: SIFT: "Not Available"; PolyPhen-2: "Benign"; Align-GVGD: "Not Available". The tryptophan amino acid residue is found in multiple mammalian species, which suggests that this missense change does not adversely affect protein function. In summary, the available evidence is currently insufficient to determine the role of this variant in disease. Therefore, it has been classified as a Variant of Uncertain Significance.